The following is an entry in ClinVar:

NM_000352.6(ABCC8):c.3839T>C (p.Val1280Ala)

Gene: ABCC8 (ATP binding cassette subfamily C member 8; minus strand). Cytogenetic location: 11p15.1.
Variant type: single nucleotide variant.
Coding change: c.3839T>C on transcript NM_000352.6 (MANE Select); coding-DNA position 3839, T replaced by C.
Protein change: p.Val1280Ala; replaces valine 1280 with alanine.
Molecular consequence: missense variant. On other transcripts: non-coding transcript variant (1).
Genome position (GRCh38, 1-based): chr11:17,397,712, A>G on the plus strand (T>C on the coding strand, the complement: ABCC8 is on the minus strand). VCF-style: chr11-17397712-A-G. GRCh37 (hg19) VCF-style: chr11-17419259-A-G.
Other names: c.3842T>C, p.Val1281Ala (NM_001287174.3); c.3905T>C, p.Val1302Ala (NM_001351295.2); c.3839T>C, p.Val1280Ala (NM_001351296.2); c.3836T>C, p.Val1279Ala (NM_001351297.2); short protein forms V1281A, V1279A, V1280A, V1302A.
Identifiers: ClinVar variation 2192200 (VCV002192200.1), dbSNP rs1398804664, ClinGen allele CA379793189.

ClinVar aggregate classification (germline): Uncertain significance (1 of 4 stars; one submission).

Allele frequency attached by ClinVar (database versions not stated): TOPMed below 0.00001.
gnomAD v4.1: 1 of 1,613,544 alleles (0.000062%); highest among the groups gnomAD compares: Non-Finnish European, 0.000085%; no homozygotes.

Submission:

Labcorp Genetics (formerly Invitae), Labcorp
Classification: Uncertain significance. Last evaluated: 2022-08-13. Review status: criteria provided, single submitter. Criteria: Invitae Variant Classification Sherloc (09022015). Collection method: clinical testing. Allele origin: germline.
Comment: This sequence change replaces valine, which is neutral and non-polar, with alanine, which is neutral and non-polar, at codon 1280 of the ABCC8 protein (p.Val1280Ala). This variant is not present in population databases (gnomAD no frequency). This missense change has been observed in individual(s) with neonatal diabetes (Invitae). Advanced modeling of protein sequence and biophysical properties (such as structural, functional, and spatial information, amino acid conservation, physicochemical variation, residue mobility, and thermodynamic stability) performed at Invitae indicates that this missense variant is expected to disrupt ABCC8 protein function. In summary, the available evidence is currently insufficient to determine the role of this variant in disease. Therefore, it has been classified as a Variant of Uncertain Significance.